The following is an entry in ClinVar:

NM_024675.4(PALB2):c.2887T>C (p.Ser963Pro)

Gene: PALB2 (partner and localizer of BRCA2; minus strand). Cytogenetic location: 16p12.2.
Variant type: single nucleotide variant.
Coding change: c.2887T>C on transcript NM_024675.4 (MANE Select); coding-DNA position 2887, T replaced by C.
Protein change: p.Ser963Pro; replaces serine 963 with proline.
Molecular consequence: missense variant.
Genome position (GRCh38, 1-based): chr16:23,623,078, A>G on the plus strand (T>C on the coding strand, the complement: PALB2 is on the minus strand). VCF-style: chr16-23623078-A-G. GRCh37 (hg19) VCF-style: chr16-23634399-A-G.
Other names: short protein forms S963P.
Identifiers: ClinVar variation 1060019 (VCV001060019.10), dbSNP rs2142336778, ClinGen allele CA395144327.
Genomic context (GRCh38, chr16:23,623,078, plus strand): 5'-TCCCACTGCTACTAACTAGCCTCCTCTTTGTCAGGCCAAGCACAGCTTTTATATTTCCAG[A>G]CTTCAGTAGTACTTGCTTTTCACTTTCATCATCAGAGGAACAAAACAATGCCCTAAGCCA-3'
Protein context (NP_078951.2, residues 953-973): DESEKQVLLK[Ser963Pro]GNIKAVLGLT

ClinVar aggregate classification (germline): Uncertain significance (1 of 4 stars; one submission).

Conditions:
Familial cancer of breast. Also called: Hereditary breast cancer; BREAST CANCER, FAMILIAL; hereditary breast carcinoma. Identifiers: Orphanet 227535, MedGen C0346153, MONDO:0016419, OMIM 114480. Disease mechanism: loss of function.

Submission:

Labcorp Genetics (formerly Invitae), Labcorp
Classification: Uncertain significance for Familial cancer of breast. Last evaluated: 2023-11-24. Review status: criteria provided, single submitter. Criteria: Invitae Variant Classification Sherloc (09022015). Collection method: clinical testing. Allele origin: germline.
Comment: This sequence change replaces serine, which is neutral and polar, with proline, which is neutral and non-polar, at codon 963 of the PALB2 protein (p.Ser963Pro). This variant is not present in population databases (gnomAD no frequency). This variant has not been reported in the literature in individuals affected with PALB2-related conditions. ClinVar contains an entry for this variant (Variation ID: 1060019). Advanced modeling of protein sequence and biophysical properties (such as structural, functional, and spatial information, amino acid conservation, physicochemical variation, residue mobility, and thermodynamic stability) performed at Invitae indicates that this missense variant is expected to disrupt PALB2 protein function with a positive predictive value of 80%. In summary, the available evidence is currently insufficient to determine the role of this variant in disease. Therefore, it has been classified as a Variant of Uncertain Significance.